The following is an entry in ClinVar:

NM_004100.5(EYA4):c.102C>A (p.Asp34Glu)

Gene: EYA4 (EYA transcriptional coactivator and phosphatase 4; plus strand). Cytogenetic location: 6q23.2.
Variant type: single nucleotide variant.
Coding change: c.102C>A on transcript NM_004100.5 (MANE Select); coding-DNA position 102, C replaced by A.
Protein change: p.Asp34Glu; replaces aspartic acid 34 with glutamic acid.
Molecular consequence: missense variant.
Genome position (GRCh38, 1-based): chr6:133,446,648, C>A. VCF-style: chr6-133446648-C-A. GRCh37 (hg19) VCF-style: chr6-133767786-C-A.
Other names: c.102C>A, p.Asp34Glu (NM_001301012.2, NM_001301013.2, NM_001370458.1 and 3 more transcripts); short protein forms D34E.
Identifiers: ClinVar variation 3685951 (VCV003685951.2).

ClinVar aggregate classification (germline): Uncertain significance (1 of 4 stars; one submission).

Conditions:
Dilated cardiomyopathy 1J (CMD1J). Also called: CARDIOMYOPATHY, DILATED, WITH SENSORINEURAL HEARING LOSS, AUTOSOMAL DOMINANT. Identifiers: Orphanet 217622, MedGen C1854368, MONDO:0011541, OMIM 605362.

Submission:

Labcorp Genetics (formerly Invitae), Labcorp
Classification: Uncertain significance for Dilated cardiomyopathy 1J. Last evaluated: 2024-10-13. Review status: criteria provided, single submitter. Criteria: Invitae Variant Classification Sherloc (09022015). Collection method: clinical testing. Allele origin: germline.
Comment: This sequence change replaces aspartic acid, which is acidic and polar, with glutamic acid, which is acidic and polar, at codon 34 of the EYA4 protein (p.Asp34Glu). This variant is not present in population databases (gnomAD no frequency). This variant has not been reported in the literature in individuals affected with EYA4-related conditions. An algorithm developed to predict the effect of missense changes on protein structure and function (PolyPhen-2) suggests that this variant is likely to be tolerated. In summary, the available evidence is currently insufficient to determine the role of this variant in disease. Therefore, it has been classified as a Variant of Uncertain Significance.